The following is an entry in ClinVar:

ClinVar aggregate classification (germline): Uncertain significance. Review status: criteria provided, multiple submitters, no conflicts (2 of 4 stars). 2 submissions from 2 submitters: Uncertain significance (2). Last evaluated 2025-02-17.

Conditions:
Long QT syndrome (LQTS). Identifiers: MedGen C0023976, MeSH D008133, MONDO:0002442. Disease mechanism: loss of function. Inheritance: Various modes of inheritance.

Allele frequency attached by ClinVar (database versions not stated): gnomAD 0.00001; gnomAD exomes 0.00006 and 0.00008; ExAC 0.00012.
gnomAD v4.1: 83 of 1,614,016 alleles (0.0051%); highest among the groups gnomAD compares: South Asian, 0.087%; 3 homozygotes.

Submissions (2):

Labcorp Genetics (formerly Invitae), Labcorp
Classification: Uncertain significance for Long QT syndrome. Last evaluated: 2025-02-17. Review status: criteria provided, single submitter. Criteria: Invitae Variant Classification Sherloc (09022015). Collection method: clinical testing. Allele origin: germline.
Comment: This sequence change replaces glutamic acid, which is acidic and polar, with glutamine, which is neutral and polar, at codon 2989 of the ANK2 protein (p.Glu2989Gln). This variant is present in population databases (rs772344557, gnomAD 0.06%), and has an allele count higher than expected for a pathogenic variant. This variant has not been reported in the literature in individuals affected with ANK2-related conditions. ClinVar contains an entry for this variant (Variation ID: 1463704). An algorithm developed to predict the effect of missense changes on protein structure and function (PolyPhen-2) suggests that this variant is likely to be tolerated. In summary, the available evidence is currently insufficient to determine the role of this variant in disease. Therefore, it has been classified as a Variant of Uncertain Significance.

GeneDx
Classification: Uncertain significance. Last evaluated: 2024-06-13. Review status: criteria provided, single submitter. Criteria: GeneDx Variant Classification Process June 2021. Collection method: clinical testing. Allele origin: germline. Affected: yes.
Comment: Has not been previously published as pathogenic or benign to our knowledge; Located in exon 38, which is reported as being expressed in a brain-specific transcript (PMID: 1830053, 18790697, 26109584); In silico analysis indicates that this missense variant does not alter protein structure/function; This variant is associated with the following publications: (PMID: 1830053, 18790697, 26109584)

NM_001148.6(ANK2):c.8965G>C (p.Glu2989Gln)

Gene: ANK2 (ankyrin 2; plus strand). Cytogenetic location: 4q26.
Variant type: single nucleotide variant.
Coding change: c.8965G>C on transcript NM_001148.6 (MANE Select); coding-DNA position 8965, G replaced by C.
Protein change: p.Glu2989Gln; replaces glutamic acid 2989 with glutamine.
Molecular consequence: missense variant. On other transcripts: intron variant (68).
Genome position (GRCh38, 1-based): chr4:113,357,583, G>C. VCF-style: chr4-113357583-G-C. GRCh37 (hg19) VCF-style: chr4-114278739-G-C.
Other names: c.8731G>C, p.Glu2911Gln (NM_001386142.1); c.5365G>C, p.Glu1789Gln (NM_001386166.1); c.9106G>C, p.Glu3036Gln (NM_001386174.1); c.9082G>C, p.Glu3028Gln (NM_001386175.1); c.4412-3240G>C (NM_001386186.2, NM_001386148.2); c.4214-3240G>C (NM_001354269.3); c.4292-3240G>C (NM_001386187.2); c.4253-3240G>C (NM_001386147.1); and 36 more; short protein forms E1789Q, E2989Q, E2911Q, E3036Q, E3028Q.
Identifiers: ClinVar variation 1463704 (VCV001463704.9), dbSNP rs772344557, ClinGen allele CA3051854.
Genomic context (GRCh38, chr4:113,357,583, plus strand): 5'-GAAGACGTTGTAGTGGCAAGCTCCTCTAGTGGAACTGTTTTAAGCAAAGAATCTAATTTT[G>C]AGGGCCAGGACATAAAAATGGAATCCCAACAGGAAAGTACCTTGTGGGAAATGCAATCAG-3'
Protein context (NP_001139.3, residues 2979-2999): GTVLSKESNF[Glu2989Gln]GQDIKMESQQ